The following is an entry in ClinVar:

NM_018406.7(MUC4):c.11199C>T (p.Ser3733=)

Gene: MUC4 (mucin 4, cell surface associated). Cytogenetic location: 3q29.
Variant type: single nucleotide variant.
Coding change: c.11199C>T on transcript NM_018406.7 (MANE Select); coding-DNA position 11199, C replaced by T.
Protein change: p.Ser3733=; no amino-acid change (serine 3733 retained).
Molecular consequence: synonymous variant. On other transcripts: genic upstream transcript variant (2).
Genome position (GRCh38, 1-based): chr3:195,780,381, G>A on the plus strand (C>T on the coding strand, the complement: MUC4 is on the minus strand). VCF-style: chr3-195780381-G-A. GRCh37 (hg19) VCF-style: chr3-195507252-G-A.
Other names: c.16017C>T, p.Ser5339= (NM_001322468.1); c.83-6076C>T (NM_138297.5); c.83-1926C>T (NM_004532.6).
Identifiers: ClinVar variation 2654408 (VCV002654408.24), dbSNP rs764598126, ClinGen allele CA438035736.

ClinVar aggregate classification (germline): Likely benign (1 of 4 stars; one submission).

Allele frequency attached by ClinVar (database versions not stated): gnomAD 0.00006.
gnomAD v4.1: 18 of 1,419,872 alleles (0.0013%); highest among the groups gnomAD compares: African/African-American, 0.033%; 1 homozygote.

Submission:

CeGaT Center for Human Genetics Tuebingen
Classification: Likely benign. Last evaluated: 2022-07-01. Review status: criteria provided, single submitter. Criteria: CeGaT Center For Human Genetics Tuebingen Variant Classification Criteria Version 2. Collection method: clinical testing. Allele origin: germline. Affected: yes. Observed: 1 variant allele.
Comment: MUC4: BP4, BP7